The following is an entry in ClinVar:

ClinVar aggregate classification (germline): Uncertain significance (1 of 4 stars; one submission).

Allele frequency attached by ClinVar (database versions not stated): TOPMed below 0.00001; gnomAD 0.00001; gnomAD exomes 0.00001.

Submission:

Labcorp Genetics (formerly Invitae), Labcorp
Classification: Uncertain significance. Last evaluated: 2025-08-21. Review status: criteria provided, single submitter. Criteria: Invitae Variant Classification Sherloc (09022015). Collection method: clinical testing. Allele origin: germline.
Comment: This sequence change replaces methionine, which is neutral and non-polar, with arginine, which is basic and polar, at codon 1046 of the CYFIP2 protein (p.Met1046Arg). This variant is not present in population databases (gnomAD no frequency). This variant has not been reported in the literature in individuals affected with CYFIP2-related conditions. ClinVar contains an entry for this variant (Variation ID: 1440244). Experimental studies and prediction algorithms are not available or were not evaluated, and the functional significance of this variant is currently unknown. In summary, the available evidence is currently insufficient to determine the role of this variant in disease. Therefore, it has been classified as a Variant of Uncertain Significance.

NM_001037333.3(CYFIP2):c.3137T>G (p.Met1046Arg)

Genes: CYFIP2 (cytoplasmic FMR1 interacting protein 2; plus strand), NIPAL4-DT (NIPAL4 divergent transcript; minus strand). Cytogenetic location: 5q33.3.
Variant type: single nucleotide variant.
Coding change: c.3137T>G on transcript NM_001037333.3 (MANE Select); coding-DNA position 3137, T replaced by G.
Protein change: p.Met1046Arg; replaces methionine 1046 with arginine.
Molecular consequence: missense variant.
Genome position (GRCh38, 1-based): chr5:157,383,289, T>G. VCF-style: chr5-157383289-T-G. GRCh37 (hg19) VCF-style: chr5-156810297-T-G.
Other names: c.3059T>G, p.Met1020Arg (NM_001291721.2); c.3212T>G, p.Met1071Arg (NM_001291722.2); c.3137T>G, p.Met1046Arg (NM_014376.4); short protein forms M1046R, M1071R, M1020R.
Identifiers: ClinVar variation 1440244 (VCV001440244.6), dbSNP rs1766312503, ClinGen allele CA361981167.